The following is an entry in ClinVar:

NM_000128.4(F11):c.783G>C (p.Glu261Asp)

Gene: F11 (coagulation factor XI; plus strand). Cytogenetic location: 4q35.2.
Variant type: single nucleotide variant.
Coding change: c.783G>C on transcript NM_000128.4 (MANE Select); coding-DNA position 783, G replaced by C.
Protein change: p.Glu261Asp; replaces glutamic acid 261 with aspartic acid.
Molecular consequence: missense variant.
Genome position (GRCh38, 1-based): chr4:186,280,039, G>C. VCF-style: chr4-186280039-G-C. GRCh37 (hg19) VCF-style: chr4-187201193-G-C.
Other names: short protein forms E261D.
Identifiers: ClinVar variation 555638 (VCV000555638.7), dbSNP rs201079681, ClinGen allele CA3163781.
Genomic context (GRCh38, chr4:186,280,039, plus strand): 5'-GATATATTTCTACTTCCCTTTTGTTTTTGTTAGAAATCTTTGTCTCCTTAAAACATCTGA[G>C]AGTGGATTGCCCAGTACACGCATTAAAAAGAGCAAAGCTCTTTCTGGTTTCAGTCTACAA-3'
Protein context (NP_000119.1, residues 251-271): QRNLCLLKTS[Glu261Asp]SGLPSTRIKK

ClinVar aggregate classification (germline): Uncertain significance. Review status: criteria provided, multiple submitters, no conflicts (2 of 4 stars). 5 submissions from 5 submitters: Uncertain significance (4). 1 of the submissions does not count toward it. Last evaluated 2025-01-30.

Conditions:
F11-related disorder. Also called: F11-related condition.
Abnormal bleeding. Also called: Bleeding diathesis. Identifiers: MedGen C1458140, HP:0001892.
Hereditary factor XI deficiency disease. Also called: Congenital factor XI deficiency; PLASMA THROMBOPLASTIN ANTECEDENT DEFICIENCY; PTA DEFICIENCY; ROSENTHAL SYNDROME. Identifiers: Orphanet 329, MedGen C0015523, MeSH D005173, MONDO:0012897, OMIM 612416.

Allele frequency attached by ClinVar (database versions not stated): TOPMed 0.00004; gnomAD 0.00006 and 0.00007; gnomAD exomes 0.00006 and 0.00010; ExAC 0.00007; ESP Exome Variant Server 0.00008.
gnomAD v4.1: 158 of 1,613,920 alleles (0.0098%); highest among the groups gnomAD compares: Non-Finnish European, 0.012%; no homozygotes.

Submissions (5):

PreventionGenetics, part of Exact Sciences
Classification: Uncertain significance for F11-related condition. Last evaluated: 2025-01-30. Review status: criteria provided, single submitter. Criteria: ACMG Guidelines, 2015. Collection method: clinical testing. Allele origin: germline.
Comment: The F11 c.783G>C variant is predicted to result in the amino acid substitution p.Glu261Asp. This variant, alternatively referred to as Glu243Asp using legacy nomenclature, has been reported in the heterozygous state in individuals with Factor XI deficiency in a family (Quelin et al. 2005. PubMed ID: 16079124). This variant has also been reported in cohort studies with blood disorders (Table S3, Downes et al. 2019. PubMed ID: 31064749; Table S3.4, Stefanucci et al. 2023. PubMed ID: 37647632). This variant is reported in 0.014% of alleles in individuals of Latino descent in gnomAD. At this time, the clinical significance of this variant is uncertain due to the absence of conclusive functional and genetic evidence.

Department of Pathology and Laboratory Medicine, Sinai Health System
Classification: Uncertain significance for Hereditary factor XI deficiency disease. Last evaluated: 2023-04-23. Review status: criteria provided, single submitter. Criteria: ACMG Guidelines, 2015. Collection method: research. Allele origin: germline.

Fulgent Genetics
Classification: Uncertain significance for Hereditary factor XI deficiency disease. Last evaluated: 2022-04-29. Review status: criteria provided, single submitter. Criteria: ACMG Guidelines, 2015. Collection method: clinical testing. Allele origin: unknown.

NIHR Bioresource Rare Diseases, University of Cambridge
Classification: Uncertain significance for Abnormal bleeding. Last evaluated: 2019-02-01. Review status: criteria provided, single submitter. Criteria: ACMG Guidelines, 2015. Collection method: research. Allele origin: unknown. Affected: yes. Observed: 1 heterozygote. Study: ThromboGenomics.

Counsyl
Classification: Uncertain significance for Hereditary factor XI deficiency disease. Last evaluated: 2017-12-28. Review status: no assertion criteria provided. Collection method: clinical testing. Allele origin: unknown. Not counted in ClinVar's aggregate classification.

Literature cited by the submitters: PubMed 31064749 (cited by NIHR Bioresource Rare Diseases, University of Cambridge); PubMed 16079124 (cited by Counsyl).